The following is an entry in ClinVar:

NM_001393769.1(MED12L):c.185T>G (p.Ile62Ser)

Gene: MED12L (mediator complex subunit 12L; plus strand). Cytogenetic location: 3q25.1.
Variant type: single nucleotide variant.
Coding change: c.185T>G on transcript NM_001393769.1 (MANE Select); coding-DNA position 185, T replaced by G.
Protein change: p.Ile62Ser; replaces isoleucine 62 with serine.
Molecular consequence: missense variant.
Genome position (GRCh38, 1-based): chr3:151,116,423, T>G. VCF-style: chr3-151116423-T-G. GRCh37 (hg19) VCF-style: chr3-150834210-T-G.
Other names: c.185T>G, p.Ile62Ser (NM_053002.6); short protein forms I62S.
Identifiers: ClinVar variation 1806672 (VCV001806672.1), dbSNP rs1712821841, ClinGen allele CA354951862.

ClinVar aggregate classification (germline): Uncertain significance (1 of 4 stars; one submission).

Submission:

GeneDx
Classification: Uncertain significance. Last evaluated: 2022-06-26. Review status: criteria provided, single submitter. Criteria: GeneDx Variant Classification Process June 2021. Collection method: clinical testing. Allele origin: germline. Affected: yes.
Comment: Not observed at significant frequency in large population cohorts (gnomAD); In silico analysis supports that this missense variant does not alter protein structure/function; Has not been previously published as pathogenic or benign to our knowledge